The following is an entry in ClinVar:

ClinVar aggregate classification (germline): Likely pathogenic (1 of 4 stars; one submission).

Conditions:
Recessive dystrophic epidermolysis bullosa (RDEB). Also called: DYSTROPHIC EPIDERMOLYSIS BULLOSA, AUTOSOMAL RECESSIVE; EPIDERMOLYSIS BULLOSA DYSTROPHICA, HALLOPEAU-SIEMENS TYPE; Hallopeau-Siemens Disease; EPIDERMOLYSIS BULLOSA DYSTROPHICA, GENERALIZED SEVERE, AUTOSOMAL RECESSIVE; epidermolysis bullosa dystrophica, autosomal recessive; Recessive DEB (RDEB). Identifiers: Orphanet 79408, Orphanet 79409, MedGen C0079474, MONDO:0009179, OMIM 226600.

Submission:

Women's Health and Genetics/Laboratory Corporation of America, LabCorp
Classification: Likely pathogenic for Recessive dystrophic epidermolysis bullosa. Last evaluated: 2026-01-15. Review status: criteria provided, single submitter. Criteria: LabCorp Variant Classification Summary - May 2015. Collection method: clinical testing. Allele origin: germline.
Comment: Variant summary: COL7A1 c.4846G>A (p.Gly1616Arg) results in a non-conservative amino acid change in the encoded protein sequence. This variant disrupts the triple helix domain of COL7A1. Glycine residues within the Gly-Xaa-Yaa repeats of the triple helix domain are required for the structure and stability of fibrillar collagens (PMID: 7695699, 8218237, 19344236). Algorithms developed to predict the effect of missense changes on protein structure and function all suggest that this variant is likely to be disruptive. The variant was absent in 250078 control chromosomes. c.4846G>A has been observed in the homozygous state in at least 1 individual(s) affected with clinical features of autosomal recessive Dystrophic Epidermolysis Bullosa (Kern_2006). These data indicate that the variant may be associated with disease. To our knowledge, no experimental evidence demonstrating an impact on protein function has been reported. ClinVar contains an entry for this variant (Variation ID: 3374763). Based on the evidence outlined above, the variant was classified as likely pathogenic.

Literature cited by the submitters: PubMed 16971478; PubMed 21448560; PubMed 18558993; PubMed 16484981; PubMed 21113014; PubMed 37067131.

NM_000094.4(COL7A1):c.4846G>A (p.Gly1616Arg)

Gene: COL7A1 (collagen type VII alpha 1 chain; minus strand). Cytogenetic location: 3p21.31.
Variant type: single nucleotide variant.
Coding change: c.4846G>A on transcript NM_000094.4 (MANE Select); coding-DNA position 4846, G replaced by A.
Protein change: p.Gly1616Arg; replaces glycine 1616 with arginine.
Molecular consequence: missense variant.
Genome position (GRCh38, 1-based): chr3:48,581,313, C>T on the plus strand (G>A on the coding strand, the complement: COL7A1 is on the minus strand). VCF-style: chr3-48581313-C-T. GRCh37 (hg19) VCF-style: chr3-48618746-C-T.
Other names: short protein forms G1616R.
Identifiers: ClinVar variation 3374763 (VCV003374763.4).